The following is an entry in ClinVar:

NM_021160.3(ABHD16A):c.85G>C (p.Val29Leu)

Gene: ABHD16A (abhydrolase domain containing 16A, phospholipase; minus strand). Cytogenetic location: 6p21.33.
Variant type: single nucleotide variant.
Coding change: c.85G>C on transcript NM_021160.3 (MANE Select); coding-DNA position 85, G replaced by C.
Protein change: p.Val29Leu; replaces valine 29 with leucine.
Molecular consequence: missense variant. On other transcripts: non-coding transcript variant (1).
Genome position (GRCh38, 1-based): chr6:31,703,197, C>G on the plus strand (G>C on the coding strand, the complement: ABHD16A is on the minus strand). VCF-style: chr6-31703197-C-G. GRCh37 (hg19) VCF-style: chr6-31670974-C-G.
Other names: short protein forms V29L.
Identifiers: ClinVar variation 3048133 (VCV003048133.2), dbSNP rs377441824, ClinGen allele CA3719595.

ClinVar aggregate classification (germline): Likely benign (0 of 4 stars; one submission).

Conditions:
ABHD16A-related disorder. Also called: ABHD16A-related condition.

Allele frequency attached by ClinVar (database versions not stated): TOPMed 0.00005; ESP Exome Variant Server 0.00008; gnomAD 0.00015; gnomAD exomes 0.00019; ExAC 0.00056; 1000 Genomes Project 0.00140; 1000 Genomes Project 30x 0.00203.
gnomAD v4.1: 276 of 1,437,410 alleles (0.019%); highest among the groups gnomAD compares: South Asian, 0.38%; 4 homozygotes.

Submission:

PreventionGenetics, part of Exact Sciences
Classification: Likely benign for ABHD16A-related condition. Last evaluated: 2023-09-25. Review status: no assertion criteria provided. Collection method: clinical testing. Allele origin: germline.
Comment: This variant is classified as likely benign based on ACMG/AMP sequence variant interpretation guidelines (Richards et al. 2015 PMID: 25741868, with internal and published modifications).